The following is an entry in ClinVar:

NM_002272.4(KRT4):c.*133C>T

Gene: KRT4 (keratin 4; minus strand). Cytogenetic location: 12q13.13.
Variant type: single nucleotide variant.
Coding change: c.*133C>T on transcript NM_002272.4 (MANE Select); 133 bases downstream of the stop codon, C replaced by T.
Molecular consequence: 3 prime UTR variant.
Genome position (GRCh38, 1-based): chr12:52,806,936, G>A on the plus strand (C>T on the coding strand, the complement: KRT4 is on the minus strand). VCF-style: chr12-52806936-G-A. GRCh37 (hg19) VCF-style: chr12-53200720-G-A.
Identifiers: ClinVar variation 309661 (VCV000309661.6), dbSNP rs78282727, ClinGen allele CA10641950.

ClinVar aggregate classification (germline): Benign. Review status: criteria provided, multiple submitters, no conflicts (2 of 4 stars). 2 submissions from 2 submitters: Benign (2). Last evaluated 2018-01-12.

Conditions:
White sponge nevus 1. Also called: LEUKOKERATOSIS, HEREDITARY MUCOSAL. Identifiers: MedGen C4011926, MONDO:0008676, OMIM 193900.

Allele frequency attached by ClinVar (database versions not stated): gnomAD exomes 0.00118; gnomAD 0.01123 and 0.01188; TOPMed 0.01244; 1000 Genomes Project 0.01378; 1000 Genomes Project 30x 0.01483.
gnomAD v4.1: 2,601 of 867,112 alleles (0.3%); highest among the groups gnomAD compares: African/African-American, 3.8%; 49 homozygotes.

Submissions (2):

Illumina Laboratory Services, Illumina
Classification: Benign for White sponge nevus 1. Last evaluated: 2018-01-12. Review status: criteria provided, single submitter. Criteria: ICSL Variant Classification Criteria 13 December 2019. Collection method: clinical testing. Allele origin: germline.
Comment: This variant was observed in the ICSL laboratory as part of a predisposition screen in an ostensibly healthy population. It had not been previously curated by ICSL or reported in the Human Gene Mutation Database (HGMD: prior to June 1st, 2018), and was therefore a candidate for classification through an automated scoring system. Utilizing variant allele frequency, disease prevalence and penetrance estimates, and inheritance mode, an automated score was calculated to assess if this variant is too frequent to cause the disease. Based on the score and internal cut-off values, a variant classified as benign is not then subjected to further curation. The score for this variant resulted in a classification of benign for this disease.

Breakthrough Genomics
Classification: Benign. Review status: criteria provided, single submitter. Criteria: ACMG Guidelines, 2015. Collection method: not provided. Allele origin: germline. Inheritance: Autosomal dominant inheritance. Affected: yes.